The following is an entry in ClinVar:

NM_032043.3(BRIP1):c.3584T>G (p.Leu1195Trp)

Gene: BRIP1 (BRCA1 interacting DNA helicase 1; minus strand). Cytogenetic location: 17q23.2.
Variant type: single nucleotide variant.
Coding change: c.3584T>G on transcript NM_032043.3 (MANE Select); coding-DNA position 3584, T replaced by G.
Protein change: p.Leu1195Trp; replaces leucine 1195 with tryptophan.
Molecular consequence: missense variant.
Genome position (GRCh38, 1-based): chr17:61,683,462, A>C on the plus strand (T>G on the coding strand, the complement: BRIP1 is on the minus strand). VCF-style: chr17-61683462-A-C. GRCh37 (hg19) VCF-style: chr17-59760823-A-C.
Other names: short protein forms L1195W.
Identifiers: ClinVar variation 3825709 (VCV003825709.1).

ClinVar aggregate classification (germline): Uncertain significance (1 of 4 stars; one submission).

Conditions:
Hereditary cancer-predisposing syndrome. Also called: Hereditary neoplastic syndrome; Neoplastic Syndromes, Hereditary; Tumor predisposition; Hereditary Cancer Syndrome. Identifiers: Orphanet 140162, MedGen C0027672, MeSH D009386, MONDO:0015356.

Submission:

Ambry Genetics
Classification: Uncertain significance for Hereditary cancer-predisposing syndrome. Last evaluated: 2025-03-14. Review status: criteria provided, single submitter. Criteria: Ambry Variant Classification Scheme 2023. Collection method: clinical testing. Allele origin: germline.
Comment: The p.L1195W variant (also known as c.3584T>G), located in coding exon 19 of the BRIP1 gene, results from a T to G substitution at nucleotide position 3584. The leucine at codon 1195 is replaced by tryptophan, an amino acid with similar properties. This amino acid position is conserved. In addition, this alteration is predicted to be tolerated by in silico analysis. Based on the available evidence, the clinical significance of this variant remains unclear.